The following is an entry in ClinVar:

NM_002691.4(POLD1):c.2228A>G (p.Asn743Ser)

Gene: POLD1 (DNA polymerase delta 1, catalytic subunit; plus strand). Cytogenetic location: 19q13.33.
Variant type: single nucleotide variant.
Coding change: c.2228A>G on transcript NM_002691.4 (MANE Select); coding-DNA position 2228, A replaced by G.
Protein change: p.Asn743Ser; replaces asparagine 743 with serine.
Molecular consequence: missense variant. On other transcripts: non-coding transcript variant (1).
Genome position (GRCh38, 1-based): chr19:50,413,499, A>G. VCF-style: chr19-50413499-A-G. GRCh37 (hg19) VCF-style: chr19-50916756-A-G.
Other names: c.2228A>G, p.Asn743Ser (NM_001256849.1); c.2306A>G, p.Asn769Ser (NM_001308632.1); c.2228A>G (NM_002691.2); short protein forms N743S, N769S.
Identifiers: ClinVar variation 946006 (VCV000946006.10), dbSNP rs997563069, ClinGen allele CA309604345.
Genomic context (GRCh38, chr19:50,413,499, plus strand): 5'-TCGGACGTCAGATGATCGAGAAAACCAAGCAGCTGGTGGAGTCTAAGTACACAGTGGAGA[A>G]TGGCTACAGCACCAGTGCCAAGGTCGGGGGCTGCCCACCGCTGCCCTGAGATGGGCCCAG-3'
Protein context (NP_002682.2, residues 733-753): QLVESKYTVE[Asn743Ser]GYSTSAKVVY

ClinVar aggregate classification (germline): Conflicting classifications of pathogenicity. Review status: criteria provided, conflicting classifications (1 of 4 stars). 3 submissions from 3 submitters: Uncertain significance (2); Likely benign (1). Last evaluated 2025-11-23.

Conditions:
Hereditary cancer-predisposing syndrome. Also called: Hereditary neoplastic syndrome; Tumor predisposition; Neoplastic Syndromes, Hereditary; Hereditary Cancer Syndrome. Identifiers: Orphanet 140162, MedGen C0027672, MeSH D009386, MONDO:0015356.
POLD1-related polyposis and colorectal cancer syndrome (CRCS10). Also called: Colorectal cancer 10; COLORECTAL CANCER, SUSCEPTIBILITY TO, ON CHROMOSOME 19q; Colorectal cancer, susceptibility to, 10. Identifiers: Orphanet 220460, MedGen C2675481, MONDO:0012953, OMIM 612591.

Allele frequency attached by ClinVar (database versions not stated): gnomAD exomes 0.00001.
gnomAD v4.1: 10 of 1,611,438 alleles (0.00062%); highest among the groups gnomAD compares: East Asian, 0.022%; no homozygotes.

Submissions (3):

Labcorp Genetics (formerly Invitae), Labcorp
Classification: Uncertain significance for POLD1-related polyposis and colorectal cancer syndrome. Last evaluated: 2025-11-23. Review status: criteria provided, single submitter. Criteria: Invitae Variant Classification Sherloc (09022015). Collection method: clinical testing. Allele origin: germline.
Comment: This sequence change replaces asparagine, which is neutral and polar, with serine, which is neutral and polar, at codon 743 of the POLD1 protein (p.Asn743Ser). This variant is not present in population databases (gnomAD no frequency). This variant has not been reported in the literature in individuals affected with POLD1-related conditions. ClinVar contains an entry for this variant (Variation ID: 946006). Invitae Evidence Modeling of protein sequence and biophysical properties (such as structural, functional, and spatial information, amino acid conservation, physicochemical variation, residue mobility, and thermodynamic stability) indicates that this missense variant is not expected to disrupt POLD1 protein function with a negative predictive value of 80%. In summary, the available evidence is currently insufficient to determine the role of this variant in disease. Therefore, it has been classified as a Variant of Uncertain Significance.

Ambry Genetics
Classification: Likely benign for Hereditary cancer-predisposing syndrome. Last evaluated: 2025-02-26. Review status: criteria provided, single submitter. Criteria: Ambry Variant Classification Scheme 2023. Collection method: clinical testing. Allele origin: germline.

GeneDx
Classification: Uncertain significance. Last evaluated: 2019-12-04. Review status: criteria provided, single submitter. Criteria: GeneDx Variant Classification Process June 2021. Collection method: clinical testing. Allele origin: germline. Affected: yes.
Comment: Not observed in large population cohorts (Lek 2016); In silico analysis, which includes protein predictors and evolutionary conservation, supports a deleterious effect; Has not been previously published as pathogenic or benign to our knowledge